The following is an entry in ClinVar:

NM_181507.2(HPS5):c.2136T>A (p.Ser712Arg)

Gene: HPS5 (HPS5 biogenesis of lysosomal organelles complex 2 subunit 2; minus strand). Cytogenetic location: 11p15.1.
Variant type: single nucleotide variant.
Coding change: c.2136T>A on transcript NM_181507.2 (MANE Select); coding-DNA position 2136, T replaced by A.
Protein change: p.Ser712Arg; replaces serine 712 with arginine.
Molecular consequence: missense variant.
Genome position (GRCh38, 1-based): chr11:18,291,746, A>T on the plus strand (T>A on the coding strand, the complement: HPS5 is on the minus strand). VCF-style: chr11-18291746-A-T. GRCh37 (hg19) VCF-style: chr11-18313293-A-T.
Other names: c.1794T>A, p.Ser598Arg (NM_007216.4, NM_181508.2); short protein forms S598R, S712R.
Identifiers: ClinVar variation 1428566 (VCV001428566.10), dbSNP rs149564550, ClinGen allele CA5909920.
Genomic context (GRCh38, chr11:18,291,746, plus strand): 5'-ACCACTTGCAATGGCGCATGGAGAACATATTTGAAACAGGTCATCCAAAGACTCCCTTGG[A>T]CTCCTTACACATTCACATGCTGTTTTATCAACAGATTCTTCATTGCCTAAAGAGTCCCTT-3'
Protein context (NP_852608.1, residues 702-722): VDKTACECVR[Ser712Arg]PRESLDDLFQ

ClinVar aggregate classification (germline): Conflicting classifications of pathogenicity. Review status: criteria provided, conflicting classifications (1 of 4 stars). 5 submissions from 5 submitters: Uncertain significance (3); Likely benign (1). 1 of the submissions does not count toward it. Last evaluated 2024-12-17.

Conditions:
HPS5-related disorder. Also called: HPS5-related condition.
Inborn genetic diseases. Identifiers: MedGen C0950123, MeSH D030342.
Hermansky-Pudlak syndrome 5 (HPS5). Identifiers: Orphanet 231512, Orphanet 79430, MedGen C3888004, MONDO:0013557, OMIM 614074.

Allele frequency attached by ClinVar (database versions not stated): gnomAD exomes 0.00001 and 0.00004; ExAC 0.00004; gnomAD 0.00020 and 0.00023; TOPMed 0.00022; ESP Exome Variant Server 0.00031.
gnomAD v4.1: 54 of 1,613,948 alleles (0.0033%); highest among the groups gnomAD compares: African/African-American, 0.056%; no homozygotes.

Submissions (5):

Women's Health and Genetics/Laboratory Corporation of America, LabCorp
Classification: Likely benign. Last evaluated: 2024-12-17. Review status: criteria provided, single submitter. Criteria: LabCorp Variant Classification Summary - May 2015. Collection method: clinical testing. Allele origin: germline.
Comment: Variant summary: HPS5 c.2136T>A (p.Ser712Arg) results in a non-conservative amino acid change in the encoded protein sequence. Four of five in-silico tools predict a benign effect of the variant on protein function. The variant allele was found at a frequency of 3.3e-05 in 1613948 control chromosomes, predominantly at a frequency of 0.00056 within the African or African-American subpopulation in the gnomAD database. The observed variant frequency within African or African-American control individuals in the gnomAD database is approximately 1.2 fold of the estimated maximal expected allele frequency for a pathogenic variant in HPS5 causing Hermansky-Pudlak Syndrome phenotype (0.00047). To our knowledge, no occurrence of c.2136T>A in individuals affected with Hermansky-Pudlak Syndrome and no experimental evidence demonstrating its impact on protein function have been reported. ClinVar contains an entry for this variant (Variation ID: 1428566). Based on the evidence outlined above, the variant was classified as likely benign.

Ambry Genetics
Classification: Uncertain significance for Inborn genetic diseases. Last evaluated: 2023-12-27. Review status: criteria provided, single submitter. Criteria: Ambry Variant Classification Scheme 2023. Collection method: clinical testing. Allele origin: germline.

Labcorp Genetics (formerly Invitae), Labcorp
Classification: Uncertain significance. Last evaluated: 2022-08-10. Review status: criteria provided, single submitter. Criteria: Invitae Variant Classification Sherloc (09022015). Collection method: clinical testing. Allele origin: germline.
Comment: This sequence change replaces serine, which is neutral and polar, with arginine, which is basic and polar, at codon 712 of the HPS5 protein (p.Ser712Arg). This variant is present in population databases (rs149564550, gnomAD 0.05%). This variant has not been reported in the literature in individuals affected with HPS5-related conditions. ClinVar contains an entry for this variant (Variation ID: 1428566). Algorithms developed to predict the effect of missense changes on protein structure and function (SIFT, PolyPhen-2, Align-GVGD) all suggest that this variant is likely to be tolerated. In summary, the available evidence is currently insufficient to determine the role of this variant in disease. Therefore, it has been classified as a Variant of Uncertain Significance.

Fulgent Genetics
Classification: Uncertain significance for Hermansky-Pudlak syndrome 5. Last evaluated: 2022-02-25. Review status: criteria provided, single submitter. Criteria: ACMG Guidelines, 2015. Collection method: clinical testing. Allele origin: unknown.

PreventionGenetics, part of Exact Sciences
Classification: Uncertain significance for HPS5-related condition. Last evaluated: 2024-01-16. Review status: no assertion criteria provided. Collection method: clinical testing. Allele origin: germline. Not counted in ClinVar's aggregate classification.
Comment: The HPS5 c.2136T>A variant is predicted to result in the amino acid substitution p.Ser712Arg. To our knowledge, this variant has not been reported in the literature. This variant is reported in 0.048% of alleles in individuals of African descent in gnomAD. At this time, the clinical significance of this variant is uncertain due to the absence of conclusive functional and genetic evidence.